The following is an entry in ClinVar:

NM_002691.4(POLD1):c.2720T>C (p.Met907Thr)

Gene: POLD1 (DNA polymerase delta 1, catalytic subunit; plus strand). Cytogenetic location: 19q13.33.
Variant type: single nucleotide variant.
Coding change: c.2720T>C on transcript NM_002691.4 (MANE Select); coding-DNA position 2720, T replaced by C.
Protein change: p.Met907Thr; replaces methionine 907 with threonine.
Molecular consequence: missense variant.
Genome position (GRCh38, 1-based): chr19:50,415,726, T>C. VCF-style: chr19-50415726-T-C. GRCh37 (hg19) VCF-style: chr19-50918983-T-C.
Other names: c.2720T>C, p.Met907Thr (NM_001256849.1); c.2798T>C, p.Met933Thr (NM_001308632.1); short protein forms M907T, M933T.
Identifiers: ClinVar variation 2849718 (VCV002849718.3), dbSNP rs2122480274, ClinGen allele CA406985799.

ClinVar aggregate classification (germline): Uncertain significance (1 of 4 stars; one submission).

Conditions:
POLD1-related polyposis and colorectal cancer syndrome (CRCS10). Also called: Colorectal cancer 10; COLORECTAL CANCER, SUSCEPTIBILITY TO, ON CHROMOSOME 19q; Colorectal cancer, susceptibility to, 10. Identifiers: Orphanet 220460, MedGen C2675481, MONDO:0012953, OMIM 612591.

Submission:

Labcorp Genetics (formerly Invitae), Labcorp
Classification: Uncertain significance for POLD1-related polyposis and colorectal cancer syndrome. Last evaluated: 2023-03-26. Review status: criteria provided, single submitter. Criteria: Invitae Variant Classification Sherloc (09022015). Collection method: clinical testing. Allele origin: germline.
Comment: This sequence change replaces methionine, which is neutral and non-polar, with threonine, which is neutral and polar, at codon 907 of the POLD1 protein (p.Met907Thr). This variant is not present in population databases (gnomAD no frequency). This variant has not been reported in the literature in individuals affected with POLD1-related conditions. An algorithm developed to predict the effect of missense changes on protein structure and function (PolyPhen-2) suggests that this variant is likely to be disruptive. In summary, the available evidence is currently insufficient to determine the role of this variant in disease. Therefore, it has been classified as a Variant of Uncertain Significance.